The following is an entry in ClinVar:

ClinVar aggregate classification (germline): Uncertain significance (1 of 4 stars; one submission).

Submission:

GeneDx
Classification: Uncertain significance. Last evaluated: 2019-04-15. Review status: criteria provided, single submitter. Criteria: GeneDx Variant Classification Process June 2021. Collection method: clinical testing. Allele origin: germline. Affected: yes.
Comment: Not observed in large population cohorts (Lek et al., 2016); In silico analysis, which includes protein predictors and evolutionary conservation, supports that this variant does not alter protein structure/function; Has not been previously published as pathogenic or benign to our knowledge

NM_014727.3(KMT2B):c.1306G>A (p.Val436Met)

Gene: KMT2B (lysine methyltransferase 2B; plus strand). Cytogenetic location: 19q13.12.
Variant type: single nucleotide variant.
Coding change: c.1306G>A on transcript NM_014727.3 (MANE Select); coding-DNA position 1306, G replaced by A.
Protein change: p.Val436Met; replaces valine 436 with methionine.
Molecular consequence: missense variant.
Genome position (GRCh38, 1-based): chr19:35,720,653, G>A. VCF-style: chr19-35720653-G-A. GRCh37 (hg19) VCF-style: chr19-36211555-G-A.
Other names: short protein forms V436M.
Identifiers: ClinVar variation 1308563 (VCV001308563.2), dbSNP rs2146436529, ClinGen allele CA405389921.